The following is an entry in ClinVar:

ClinVar aggregate classification (germline): Uncertain significance (1 of 4 stars; one submission).

Conditions:
Familial thoracic aortic aneurysm and aortic dissection (TAAD). Also called: Thoracic aortic aneurysms and dissections. Identifiers: Orphanet 91387, MedGen C4707243, MONDO:0019625.

gnomAD v4.1: 3 of 1,613,998 alleles (0.00019%); highest among the groups gnomAD compares: Non-Finnish European, 0.00025%; no homozygotes.

Submission:

Ambry Genetics
Classification: Uncertain significance for Familial thoracic aortic aneurysm and aortic dissection. Last evaluated: 2024-01-23. Review status: criteria provided, single submitter. Criteria: Ambry Variant Classification Scheme 2023. Collection method: clinical testing. Allele origin: germline.
Comment: The p.D1342E variant (also known as c.4026C>A), located in coding exon 21 of the MYLK gene, results from a C to A substitution at nucleotide position 4026. The aspartic acid at codon 1342 is replaced by glutamic acid, an amino acid with highly similar properties. This amino acid position is conserved. In addition, this alteration is predicted to be tolerated by in silico analysis. Based on the available evidence, the clinical significance of this alteration remains unclear.

NM_053025.4(MYLK):c.4026C>A (p.Asp1342Glu)

Gene: MYLK (myosin light chain kinase; minus strand). Cytogenetic location: 3q21.1.
Variant type: single nucleotide variant.
Coding change: c.4026C>A on transcript NM_053025.4 (MANE Select); coding-DNA position 4026, C replaced by A.
Protein change: p.Asp1342Glu; replaces aspartic acid 1342 with glutamic acid.
Molecular consequence: missense variant.
Genome position (GRCh38, 1-based): chr3:123,657,388, G>T on the plus strand (C>A on the coding strand, the complement: MYLK is on the minus strand). VCF-style: chr3-123657388-G-T. GRCh37 (hg19) VCF-style: chr3-123376235-G-T.
Other names: c.3498C>A, p.Asp1166Glu (NM_001321309.2); c.3819C>A, p.Asp1273Glu (NM_053026.4, NM_053028.4); c.4026C>A, p.Asp1342Glu (NM_053027.4); short protein forms D1166E, D1273E, D1342E.
Identifiers: ClinVar variation 3228917 (VCV003228917.1), dbSNP rs886039112, ClinGen allele CA354228291.
Genomic context (GRCh38, chr3:123,657,388, plus strand): 5'-AGCACTGCCCCCATCATATGAGGAGCCATACCAGGACAGGGTCAGTGAGGAGCTCCGAAT[G>T]TCAGAGGCACAAGGTGTGCCAGCTGGGGGGTCTGGCTTATCTGGGGATAAAGAAGCACAA-3'
Protein context (NP_444253.3, residues 1332-1352): DPPAGTPCAS[Asp1342Glu]IRSSSLTLSW